The following is an entry in ClinVar:

NM_001039348.3(EFEMP1):c.603C>A (p.Cys201Ter)

Gene: EFEMP1 (EGF-like fibulin extracellular matrix protein 1; minus strand). Cytogenetic location: 2p16.1.
Variant type: single nucleotide variant.
Coding change: c.603C>A on transcript NM_001039348.3 (MANE Select); coding-DNA position 603, C replaced by A.
Protein change: p.Cys201Ter; replaces cysteine 201 with a stop codon.
Molecular consequence: nonsense.
Genome position (GRCh38, 1-based): chr2:55,881,649, G>T on the plus strand (C>A on the coding strand, the complement: EFEMP1 is on the minus strand). VCF-style: chr2-55881649-G-T. GRCh37 (hg19) VCF-style: chr2-56108784-G-T.
Other names: c.603C>A, p.Cys201Ter (NM_001039349.3); short protein forms C201*.
Identifiers: ClinVar variation 1356856 (VCV001356856.6), dbSNP rs2104392010, ClinGen allele CA347029511.

ClinVar aggregate classification (germline): Pathogenic (1 of 4 stars; one submission).

Submission:

Labcorp Genetics (formerly Invitae), Labcorp
Classification: Pathogenic. Last evaluated: 2025-03-07. Review status: criteria provided, single submitter. Criteria: Invitae Variant Classification Sherloc (09022015). Collection method: clinical testing. Allele origin: germline.
Comment: This sequence change creates a premature translational stop signal (p.Cys201*) in the EFEMP1 gene. It is expected to result in an absent or disrupted protein product. Loss-of-function variants in EFEMP1 are known to be pathogenic (PMID: 17872905, 33807164, 38348595, 39367272). This variant is not present in population databases (gnomAD no frequency). This variant has not been reported in the literature in individuals affected with EFEMP1-related conditions. ClinVar contains an entry for this variant (Variation ID: 1356856). For these reasons, this variant has been classified as Pathogenic.

Literature cited by the submitters: PubMed 17872905; PubMed 33807164; PubMed 38348595; PubMed 39367272.